The following is an entry in ClinVar:

NM_001164665.2(KIAA1549):c.5545G>T (p.Gly1849Trp)

Gene: KIAA1549 (KIAA1549; minus strand). Cytogenetic location: 7q34.
Variant type: single nucleotide variant.
Coding change: c.5545G>T on transcript NM_001164665.2 (MANE Select); coding-DNA position 5545, G replaced by T.
Protein change: p.Gly1849Trp; replaces glycine 1849 with tryptophan.
Molecular consequence: missense variant.
Genome position (GRCh38, 1-based): chr7:138,840,186, C>A on the plus strand (G>T on the coding strand, the complement: KIAA1549 is on the minus strand). VCF-style: chr7-138840186-C-A. GRCh37 (hg19) VCF-style: chr7-138524931-C-A.
Other names: c.5545G>T (NM_001164665.1); c.5545G>T, p.Gly1849Trp (NM_020910.3); short protein forms G1849W.
Identifiers: ClinVar variation 1511843 (VCV001511843.6), dbSNP rs751078785, ClinGen allele CA4505528.

ClinVar aggregate classification (germline): Uncertain significance. Review status: criteria provided, multiple submitters, no conflicts (2 of 4 stars). 3 submissions from 3 submitters: Uncertain significance (3). Last evaluated 2025-04-16.

Conditions:
Inborn genetic diseases. Identifiers: MedGen C0950123, MeSH D030342.

gnomAD v4.1: 21 of 1,564,208 alleles (0.0013%); highest among the groups gnomAD compares: East Asian, 0.014%; no homozygotes.

Submissions (3):

Labcorp Genetics (formerly Invitae), Labcorp
Classification: Uncertain significance. Last evaluated: 2025-04-16. Review status: criteria provided, single submitter. Criteria: Invitae Variant Classification Sherloc (09022015). Collection method: clinical testing. Allele origin: germline.
Comment: This sequence change replaces glycine, which is neutral and non-polar, with tryptophan, which is neutral and slightly polar, at codon 1849 of the KIAA1549 protein (p.Gly1849Trp). The frequency data for this variant in the population databases is considered unreliable, as metrics indicate poor data quality at this position in the gnomAD database. This variant has not been reported in the literature in individuals affected with KIAA1549-related conditions. ClinVar contains an entry for this variant (Variation ID: 1511843). An algorithm developed to predict the effect of missense changes on protein structure and function (PolyPhen-2) suggests that this variant is likely to be disruptive. In summary, the available evidence is currently insufficient to determine the role of this variant in disease. Therefore, it has been classified as a Variant of Uncertain Significance.

Ambry Genetics
Classification: Uncertain significance for Inborn genetic diseases. Last evaluated: 2024-01-23. Review status: criteria provided, single submitter. Criteria: Ambry Variant Classification Scheme 2023. Collection method: clinical testing. Allele origin: germline.

Blueprint Genetics
Classification: Uncertain significance. Last evaluated: 2021-03-03. Review status: criteria provided, single submitter. Criteria: ACMG Guidelines, 2015. Collection method: clinical testing. Allele origin: germline.